The following is an entry in ClinVar:

ClinVar aggregate classification (germline): Uncertain significance (1 of 4 stars; one submission).

Allele frequency attached by ClinVar (database versions not stated): TOPMed below 0.00001.

Submission:

Labcorp Genetics (formerly Invitae), Labcorp
Classification: Uncertain significance. Last evaluated: 2022-05-12. Review status: criteria provided, single submitter. Criteria: Invitae Variant Classification Sherloc (09022015). Collection method: clinical testing. Allele origin: germline.
Comment: In summary, the available evidence is currently insufficient to determine the role of this variant in disease. Therefore, it has been classified as a Variant of Uncertain Significance. Algorithms developed to predict the effect of missense changes on protein structure and function output the following: SIFT: "Tolerated"; PolyPhen-2: "Benign"; Align-GVGD: "Class C0". The cysteine amino acid residue is found in multiple mammalian species, which suggests that this missense change does not adversely affect protein function. This variant has not been reported in the literature in individuals affected with ADGRV1-related conditions. This variant is not present in population databases (gnomAD no frequency). This sequence change replaces serine, which is neutral and polar, with cysteine, which is neutral and slightly polar, at codon 4748 of the ADGRV1 protein (p.Ser4748Cys).

NM_032119.4(ADGRV1):c.14242A>T (p.Ser4748Cys)

Gene: ADGRV1 (adhesion G protein-coupled receptor V1; plus strand). Cytogenetic location: 5q14.3.
Variant type: single nucleotide variant.
Coding change: c.14242A>T on transcript NM_032119.4 (MANE Select); coding-DNA position 14242, A replaced by T.
Protein change: p.Ser4748Cys; replaces serine 4748 with cysteine.
Molecular consequence: missense variant. On other transcripts: non-coding transcript variant (1).
Genome position (GRCh38, 1-based): chr5:90,791,071, A>T. VCF-style: chr5-90791071-A-T. GRCh37 (hg19) VCF-style: chr5-90086888-A-T.
Other names: short protein forms S4748C.
Identifiers: ClinVar variation 2040035 (VCV002040035.4), dbSNP rs755596802, ClinGen allele CA360400952.